The following is an entry in ClinVar:

NM_000059.4(BRCA2):c.7380_7381insG (p.Asn2461fs)

Gene: BRCA2 (BRCA2 DNA repair associated; plus strand). Cytogenetic location: 13q13.1.
Variant type: Insertion.
Coding change: c.7380_7381insG on transcript NM_000059.4 (MANE Select); coding-DNA positions 7380 to 7381, G inserted.
Protein change: p.Asn2461fs; shifts the reading frame from asparagine 2461.
Molecular consequence: frameshift variant.
Genome position: GRCh38 VCF-style: chr13-32355233-C-CG. GRCh37 (hg19) VCF-style: chr13-32929370-C-CG.
Other names: short protein forms N2461fs.
Identifiers: ClinVar variation 182319 (VCV000182319.2), dbSNP rs730881612, ClinGen allele CA025051.

ClinVar aggregate classification (germline): Pathogenic (1 of 4 stars; one submission).

Conditions:
Familial cancer of breast. Also called: BREAST CANCER, FAMILIAL; Hereditary breast cancer; hereditary breast carcinoma. Identifiers: Orphanet 227535, MedGen C0346153, MONDO:0016419, OMIM 114480. Disease mechanism: loss of function.

Submission:

GeneDx
Classification: Pathogenic for Familial cancer of breast. Last evaluated: 2014-08-05. Review status: criteria provided, single submitter. Criteria: GeneDx Variant Classification (06012015). Collection method: clinical testing. Allele origin: germline. Affected: yes.
Comment: This insertion of one nucleotide in BRCA2 is denoted c.7379_7380insG at the cDNA level and p.Asn2460LysfsX15 (N2460KfsX15) at the protein level. The normal sequence, with the bases that are inserted in brackets, is CAAAAA{G}CAAC. The insertion causes a frameshift, which changes an Asparagine to a Lysine at codon 2460 in exon 14, and creates a premature stop codon at position 15 of the new reading frame. Although BRCA2 c.7379_7380insG, also known as 7607insG using alternative nomenclature, has not, to our knowledge, been reported in the literature, it is predicted to cause loss of normal protein function through either protein truncation or nonsense-mediated mRNA decay. We consider this mutation to be pathogenic. and is indicative of Hereditary Breast and Ovarian Cancer (HBOC), an autosomal dominant condition that predisposes to breast and ovarian cancer as well as other cancers. Breast and ovarian cancer are the predominant BRCA2-related cancers that unaffected female mutation carriers are at risk to develop. The lifetime risk for breast cancer is estimated to be 41 to 84% and the lifetime risk for ovarian cancer is estimated to be 11 to 27% (Ford 1998, Risch 2006). BRCA2 mutations have also been reported in women with fallopian tube carcinoma, primary peritoneal carcinoma, and uterine serous carcinoma (Levine 2003, Biron-Shental 2006). Graeser et al. (2009) found that women who harbor a pathogenic BRCA2 mutation have an increased risk for contralateral breast cancer that is dependent on age at initial diagnosis. It is estimated that the risk to develop a second breast cancer within 10 years of the first diagnosis if initially diagnosed less than age 40 years of age is 21%, between the ages of 40 and 50 is 13% and after the age of 50 is 9%. Additionally, it is estimated that the risk to develop a second breast cancer within 25 years of their first diagnosis if initially diagnosed less than age 40 years of age is 63%, between the ages of 40 and 50 is 49% and after the age of 50 is 17%. Other cancer risks associated with a BRCA2 mutation include up to a 7% risk for pancreatic cancer (Ozcelik 1997, The Breast Cancer Linkage Consortium 1999), up to a 34% risk for prostate cancer in male carriers (Thompson 2001) and up to a 7% risk for male breast cancer (Liede 2004). BRCA2 mutations have also been associated with an increased risk for cutaneous malignant melanoma (Liede 2004, The Breast Cancer Linkage Consortium 1999). The variant is found in HEREDICANCER panel(s).